The following is an entry in ClinVar:

ClinVar aggregate classification (germline): Pathogenic (1 of 4 stars; one submission).

Conditions:
Familial thoracic aortic aneurysm and aortic dissection (TAAD). Also called: Thoracic aortic aneurysms and dissections. Identifiers: Orphanet 91387, MedGen C4707243, MONDO:0019625.
Hereditary cancer-predisposing syndrome. Also called: Tumor predisposition; Neoplastic Syndromes, Hereditary; Hereditary Cancer Syndrome; Hereditary neoplastic syndrome. Identifiers: Orphanet 140162, MedGen C0027672, MeSH D009386, MONDO:0015356.

Submission:

Ambry Genetics
Classification: Pathogenic for Hereditary cancer-predisposing syndrome; Familial thoracic aortic aneurysm and aortic dissection. Last evaluated: 2021-08-17. Review status: criteria provided, single submitter. Criteria: Ambry Variant Classification Scheme 2023. Collection method: clinical testing. Allele origin: germline.
Comment: The c.320delA pathogenic mutation, located in coding exon 2 of the SMAD4 gene, results from a deletion of one nucleotide at nucleotide position 320, causing a translational frameshift with a predicted alternate stop codon (p.N107Mfs*3). This alteration is expected to result in loss of function by premature protein truncation or nonsense-mediated mRNA decay. As such, this alteration is interpreted as a disease-causing mutation.

NM_005359.6(SMAD4):c.320del (p.Asn107fs)

Gene: SMAD4 (SMAD family member 4; plus strand). Cytogenetic location: 18q21.2.
Variant type: Deletion.
Coding change: c.320del on transcript NM_005359.6 (MANE Select); coding-DNA position 320, one base deleted (A; older notation c.320delA).
Protein change: p.Asn107fs; shifts the reading frame from asparagine 107.
Molecular consequence: frameshift variant.
Genome position (GRCh38, 1-based): chr18:51,048,756, A deleted; the last of 5 consecutive A bases (chr18:51,048,752-51,048,756); deleting any one gives the same sequence. VCF-style (leftmost placement, unchanged base first): chr18-51048751-CA-C. GRCh37 (hg19) VCF-style: chr18-48575121-CA-C.
Other names: c.320delA, p.Asn107Metfs (NM_001407041.1, NM_001407042.1, NM_001407043.1); short protein forms N107fs.
Identifiers: ClinVar variation 1728912 (VCV001728912.2), dbSNP rs2511369450, ClinGen allele CA2580095869.